The following is an entry in ClinVar:

NM_201596.3(CACNB2):c.386A>T (p.His129Leu)

Gene: CACNB2 (calcium voltage-gated channel auxiliary subunit beta 2; plus strand). Cytogenetic location: 10p12.31.
Variant type: single nucleotide variant.
Coding change: c.386A>T on transcript NM_201596.3 (MANE Select); coding-DNA position 386, A replaced by T.
Protein change: p.His129Leu; replaces histidine 129 with leucine.
Molecular consequence: missense variant.
Genome position (GRCh38, 1-based): chr10:18,498,407, A>T. VCF-style: chr10-18498407-A-T. GRCh37 (hg19) VCF-style: chr10-18787336-A-T.
Other names: c.221A>T, p.His74Leu (NM_000724.4, NM_001330060.2); c.302A>T, p.His101Leu (NM_001167945.2, NM_201571.4, NM_201572.4); c.242A>T, p.His81Leu (NM_001410882.1, NM_201570.3); c.224A>T, p.His75Leu (NM_201590.3); c.386A>T, p.His129Leu (NM_201593.3, NM_201597.3); short protein forms H81L, H101L, H129L, H74L, H75L.
Identifiers: ClinVar variation 1788389 (VCV001788389.4), dbSNP rs755941070, ClinGen allele CA5429607.

ClinVar aggregate classification (germline): Uncertain significance. Review status: criteria provided, multiple submitters, no conflicts (2 of 4 stars). 2 submissions from 2 submitters: Uncertain significance (2). Last evaluated 2024-08-27.

Conditions:
Brugada syndrome 4 (BRGDA4). Identifiers: Orphanet 130, MedGen C2678477, MONDO:0012743, OMIM 611876.
Cardiovascular phenotype. Identifiers: MedGen CN230736.

Allele frequency attached by ClinVar (database versions not stated): ExAC 0.00001.
gnomAD v4.1: 1 of 1,614,168 alleles (0.000062%); highest among the groups gnomAD compares: Non-Finnish European, 0.000085%; no homozygotes.

Submissions (2):

Labcorp Genetics (formerly Invitae), Labcorp
Classification: Uncertain significance for Brugada syndrome 4. Last evaluated: 2024-08-27. Review status: criteria provided, single submitter. Criteria: Invitae Variant Classification Sherloc (09022015). Collection method: clinical testing. Allele origin: germline.
Comment: This sequence change replaces histidine, which is basic and polar, with leucine, which is neutral and non-polar, at codon 75 of the CACNB2 protein (p.His75Leu). This variant is present in population databases (rs755941070, gnomAD 0.0009%). This variant has not been reported in the literature in individuals affected with CACNB2-related conditions. ClinVar contains an entry for this variant (Variation ID: 1788389). Invitae Evidence Modeling of protein sequence and biophysical properties (such as structural, functional, and spatial information, amino acid conservation, physicochemical variation, residue mobility, and thermodynamic stability) indicates that this missense variant is not expected to disrupt CACNB2 protein function with a negative predictive value of 80%. In summary, the available evidence is currently insufficient to determine the role of this variant in disease. Therefore, it has been classified as a Variant of Uncertain Significance.

Ambry Genetics
Classification: Uncertain significance for Cardiovascular phenotype. Last evaluated: 2022-10-11. Review status: criteria provided, single submitter. Criteria: Ambry Variant Classification Scheme 2023. Collection method: clinical testing. Allele origin: germline.
Comment: The p.H75L variant (also known as c.224A>T), located in coding exon 3 of the CACNB2 gene, results from an A to T substitution at nucleotide position 224. The histidine at codon 75 is replaced by leucine, an amino acid with similar properties. This amino acid position is conserved. In addition, this alteration is predicted to be tolerated by in silico analysis. Since supporting evidence is limited at this time, the clinical significance of this alteration remains unclear.